The following is an entry in ClinVar:

ClinVar aggregate classification (germline): Uncertain significance (1 of 4 stars; one submission).

Conditions:
Monogenic short stature.

Submission:

Cambridge Genomics Laboratory, East Genomic Laboratory Hub, NHS Genomic Medicine Service
Classification: Uncertain significance for Monogenic short stature. Last evaluated: 2026-08-05. Review status: criteria provided, single submitter. Criteria: ACGS Best Practice Guidelines for Variant Classification in Rare Disease 2020. Collection method: clinical testing. Allele origin: germline. Affected: yes.
Comment: PM1_Supporting,PM2,PP3,PP4

NM_000875.5(IGF1R):c.3420T>G (p.Asn1140Lys)

Gene: IGF1R (insulin like growth factor 1 receptor; plus strand). Cytogenetic location: 15q26.3.
Variant type: single nucleotide variant.
Coding change: c.3420T>G on transcript NM_000875.5 (MANE Select); coding-DNA position 3420, T replaced by G.
Protein change: p.Asn1140Lys; replaces asparagine 1140 with lysine.
Molecular consequence: missense variant.
Genome position (GRCh38, 1-based): chr15:98,939,323, T>G. VCF-style: chr15-98939323-T-G. GRCh37 (hg19) VCF-style: chr15-99482552-T-G.
Other names: c.3417T>G, p.Asn1139Lys (NM_001291858.2); short protein forms N1139K, N1140K.
Identifiers: ClinVar variation 4884300 (VCV004884300.1).